The following is an entry in ClinVar:

ClinVar aggregate classification (germline): Benign (0 of 4 stars; one submission).

Conditions:
RBM28-related disorder. Also called: RBM28-related condition.

Allele frequency attached by ClinVar (database versions not stated): ExAC 0.06988; gnomAD exomes 0.07129; 1000 Genomes Project 0.10763; gnomAD 0.11214; 1000 Genomes Project 30x 0.11259; TOPMed 0.11951; ESP Exome Variant Server 0.12317.
gnomAD v4.1: 121,512 of 1,613,736 alleles (7.5%); highest among the groups gnomAD compares: African/African-American, 25%; 6,232 homozygotes.

Submission:

PreventionGenetics, part of Exact Sciences
Classification: Benign for RBM28-related condition. Last evaluated: 2019-12-05. Review status: no assertion criteria provided. Collection method: clinical testing. Allele origin: germline.
Comment: This variant is classified as benign based on ACMG/AMP sequence variant interpretation guidelines (Richards et al. 2015 PMID: 25741868, with internal and published modifications).

NM_018077.3(RBM28):c.2130A>G (p.Gln710=)

Gene: RBM28 (RNA binding motif protein 28; minus strand). Cytogenetic location: 7q32.1.
Variant type: single nucleotide variant.
Coding change: c.2130A>G on transcript NM_018077.3 (MANE Select); coding-DNA position 2130, A replaced by G.
Protein change: p.Gln710=; no amino-acid change (glutamine 710 retained).
Molecular consequence: synonymous variant.
Genome position (GRCh38, 1-based): chr7:128,313,190, T>C on the plus strand (A>G on the coding strand, the complement: RBM28 is on the minus strand). VCF-style: chr7-128313190-T-C. GRCh37 (hg19) VCF-style: chr7-127953243-T-C.
Other names: c.1707A>G, p.Gln569= (NM_001166135.2).
Identifiers: ClinVar variation 3055490 (VCV003055490.2), dbSNP rs7804796, ClinGen allele CA4469798.